The following is an entry in ClinVar:

NM_000138.4(FBN1):c.5067_5073del

Gene: FBN1 (fibrillin 1; minus strand). Cytogenetic location: 15q21.1.
Variant type: Deletion.
Coding change: c.5067_5073del on transcript NM_000138.4; coding-DNA positions 5067 to 5073, 7 bases deleted (TATGAGA; older notation c.5067_5073delTATGAGA).
Genome position (GRCh38, 1-based): chr15:48,463,233-48,463,239, TCTCATA deleted on the plus strand (TATGAGA on the coding strand, the reverse complement: FBN1 is on the minus strand); deleting any 7 consecutive bases within chr15:48,463,233-48,463,242 gives the same sequence; the c. name uses the placement nearest the transcript's 3' end. VCF-style (leftmost placement, unchanged base first): chr15-48463232-TTCTCATA-T. GRCh37 (hg19) VCF-style: chr15-48755429-TTCTCATA-T.
Other names: c.5067_5073delTATGAGA (NM_000138.4).
Identifiers: ClinVar variation 263488 (VCV000263488.7), dbSNP rs886038823, ClinGen allele CA10587818.
Genomic context (GRCh38, chr15:48,463,232, plus strand): 5'-ATAACAATTCTCCATCACAGGTCTGGTTGTCAGCATAGTAGTTTCTGTAGCACAAACTTC[TTCTCATA>T]TCTAGAAGGGAGGTAAAAAAAAGGATTGGAGGGTTGGTGATGCCATGTGGGAAATCACAA-3'

ClinVar aggregate classification (germline): Pathogenic/Likely pathogenic. Review status: criteria provided, multiple submitters, no conflicts (2 of 4 stars). 2 submissions from 2 submitters: Pathogenic (1); Likely pathogenic (1). Last evaluated 2024-02-23.

Conditions:
Cardiovascular phenotype. Identifiers: MedGen CN230736.

Submissions (2):

GeneDx
Classification: Likely pathogenic. Last evaluated: 2024-02-23. Review status: criteria provided, single submitter. Criteria: GeneDx Variant Classification Process June 2021. Collection method: clinical testing. Allele origin: germline. Affected: yes.
Comment: Has not been previously published as pathogenic or benign to our knowledge; Not observed at significant frequency in large population cohorts (gnomAD); Frameshift variant predicted to result in protein truncation [or nonsense mediated decay] in a gene for which loss of function is a known mechanism of disease; This variant is associated with the following publications: (PMID: 28152038)

Ambry Genetics
Classification: Pathogenic for Cardiovascular phenotype. Last evaluated: 2019-02-21. Review status: criteria provided, single submitter. Criteria: Ambry Autosomal Dominant and X-Linked criteria (3/2017). Collection method: clinical testing. Allele origin: germline. Observed: 1 variant allele.
Comment: The c.5067_5073delTATGAGA pathogenic mutation, located in coding exon 41 of the FBN1 gene, results from a deletion of 7 nucleotides at nucleotide positions 5067 to 5073, causing a translational frameshift with a predicted alternate stop codon (p.D1689Efs*24). This alteration is expected to result in loss of function by premature protein truncation or nonsense-mediated mRNA decay. As such, this alteration is interpreted as a disease-causing mutation.